The following is an entry in ClinVar:

NM_001330701.2(AGTPBP1):c.632C>T (p.Pro211Leu)

Gene: AGTPBP1 (ATP/GTP binding carboxypeptidase 1; minus strand). Cytogenetic location: 9q21.33.
Variant type: single nucleotide variant.
Coding change: c.632C>T on transcript NM_001330701.2 (MANE Select); coding-DNA position 632, C replaced by T.
Protein change: p.Pro211Leu; replaces proline 211 with leucine.
Molecular consequence: missense variant.
Genome position (GRCh38, 1-based): chr9:85,669,515, G>A on the plus strand (C>T on the coding strand, the complement: AGTPBP1 is on the minus strand). VCF-style: chr9-85669515-G-A. GRCh37 (hg19) VCF-style: chr9-88284430-G-A.
Other names: c.788C>T, p.Pro263Leu (NM_001286715.1, NM_001286717.1); c.632C>T, p.Pro211Leu (NM_015239.3); short protein forms P211L, P263L.
Identifiers: ClinVar variation 3573602 (VCV003573602.1).

ClinVar aggregate classification (germline): Uncertain significance (1 of 4 stars; one submission).

gnomAD v4.1: 1 of 1,610,578 alleles (0.000062%); highest among the groups gnomAD compares: Non-Finnish European, 0.000085%; no homozygotes.

Submission:

GeneDx
Classification: Uncertain significance. Last evaluated: 2024-07-15. Review status: criteria provided, single submitter. Criteria: GeneDx Variant Classification Process June 2021. Collection method: clinical testing. Allele origin: germline. Affected: yes.
Comment: Not observed at significant frequency in large population cohorts (gnomAD); In silico analysis supports that this missense variant has a deleterious effect on protein structure/function; Has not been previously published as pathogenic or benign to our knowledge